The following is an entry in ClinVar:

NM_000124.4(ERCC6):c.958del (p.Val320fs)

Gene: ERCC6 (ERCC excision repair 6, chromatin remodeling factor; minus strand). Cytogenetic location: 10q11.23.
Variant type: Deletion.
Coding change: c.958del on transcript NM_000124.4 (MANE Select); coding-DNA position 958, one base deleted (G; older notation c.958delG).
Protein change: p.Val320fs; shifts the reading frame from valine 320.
Molecular consequence: frameshift variant.
Genome position (GRCh38, 1-based): chr10:49,524,472, C deleted on the plus strand (G on the coding strand, the reverse complement: ERCC6 is on the minus strand). VCF-style (leftmost placement, unchanged base first): chr10-49524471-AC-A. GRCh37 (hg19) VCF-style: chr10-50732517-AC-A.
Other names: c.958del, p.Val320fs (NM_001277058.2, NM_001277059.2, NM_001346440.2); short protein forms V320fs.
Identifiers: ClinVar variation 2754004 (VCV002754004.3), dbSNP rs2496140467, ClinGen allele CA2609139903.

ClinVar aggregate classification (germline): Pathogenic (1 of 4 stars; one submission).

Allele frequency attached by ClinVar (database versions not stated): gnomAD exomes below 0.00001.

Submission:

Labcorp Genetics (formerly Invitae), Labcorp
Classification: Pathogenic. Last evaluated: 2023-08-19. Review status: criteria provided, single submitter. Criteria: Invitae Variant Classification Sherloc (09022015). Collection method: clinical testing. Allele origin: germline.
Comment: This variant has not been reported in the literature in individuals affected with ERCC6-related conditions. For these reasons, this variant has been classified as Pathogenic. This variant is not present in population databases (gnomAD no frequency). This sequence change creates a premature translational stop signal (p.Val320Phefs*9) in the ERCC6 gene. It is expected to result in an absent or disrupted protein product. Loss-of-function variants in ERCC6 are known to be pathogenic (PMID: 18628313, 29572252).

Literature cited by the submitters: PubMed 18628313; PubMed 29572252.